The following is an entry in ClinVar:

NM_138713.4(NFAT5):c.1505-16_1505-15insGT

Gene: NFAT5 (nuclear factor of activated T cells 5; plus strand). Cytogenetic location: 16q22.1.
Variant type: Insertion.
Coding change: c.1505-16_1505-15insGT on transcript NM_138713.4 (MANE Select); 16 bases into the intron before coding-DNA position 1505 through 15 bases into the intron before coding-DNA position 1505, GT inserted.
Molecular consequence: intron variant.
Genome position: GRCh38 VCF-style: chr16-69670219-C-CTG. GRCh37 (hg19) VCF-style: chr16-69704122-C-CTG.
Other names: c.1223-16_1223-15insGT (NM_138714.4, NM_173214.3, NM_173215.3); c.1505-16_1505-15insGT (NM_001113178.3); c.1451-16_1451-15insGT (NM_006599.4); c.833-16_833-15insGT (NM_001367709.1).
Identifiers: ClinVar variation 1168172 (VCV001168172.11), dbSNP rs3217434, ClinGen allele CA8135568.

ClinVar aggregate classification (germline): Benign. Review status: criteria provided, multiple submitters, no conflicts (2 of 4 stars). 2 submissions from 2 submitters: Benign (2). Last evaluated 2026-02-04.

Conditions:
Immunodeficiency. Identifiers: MedGen C0021051, MONDO:0021094, HP:0002721.

Submissions (2):

Labcorp Genetics (formerly Invitae), Labcorp
Classification: Benign for Immunodeficiency. Last evaluated: 2026-02-04. Review status: criteria provided, single submitter. Criteria: Invitae Variant Classification Sherloc (09022015). Collection method: clinical testing. Allele origin: germline.

Unidad de Genómica Garrahan, Hospital de Pediatría Garrahan
Classification: Benign. Last evaluated: 2023-11-12. Review status: criteria provided, single submitter. Criteria: ACMG Guidelines, 2015. Collection method: clinical testing. Allele origin: germline. Affected: no. Observed: 73 variant alleles.
Comment: This variant is classified as Benign based on local population frequency. This variant was detected in 76% of patients studied by a panel of primary immunodeficiencies. Number of patients: 73. Only high quality variants are reported.